The following is an entry in ClinVar:

NM_020921.4(NIN):c.4897C>T (p.Arg1633Trp)

Gene: NIN (ninein; minus strand). Cytogenetic location: 14q22.1.
Variant type: single nucleotide variant.
Coding change: c.4897C>T on transcript NM_020921.4 (MANE Select); coding-DNA position 4897, C replaced by T.
Protein change: p.Arg1633Trp; replaces arginine 1633 with tryptophan.
Molecular consequence: missense variant.
Genome position (GRCh38, 1-based): chr14:50,752,571, G>A on the plus strand (C>T on the coding strand, the complement: NIN is on the minus strand). VCF-style: chr14-50752571-G-A. GRCh37 (hg19) VCF-style: chr14-51219289-G-A.
Other names: c.2758C>T, p.Arg920Trp (NM_016350.5); c.4897C>T, p.Arg1633Trp (NM_182944.3, NM_182946.2); short protein forms R1633W, R920W.
Identifiers: ClinVar variation 2075148 (VCV002075148.4), dbSNP rs202110335, ClinGen allele CA7181471.

ClinVar aggregate classification (germline): Uncertain significance (1 of 4 stars; one submission).

Allele frequency attached by ClinVar (database versions not stated): TOPMed 0.00003; ExAC 0.00005; ESP Exome Variant Server 0.00008; gnomAD 0.00003.
gnomAD v4.1: 59 of 1,613,760 alleles (0.0037%); highest among the groups gnomAD compares: African/African-American, 0.015%; 1 homozygote.

Submission:

Labcorp Genetics (formerly Invitae), Labcorp
Classification: Uncertain significance. Last evaluated: 2025-09-01. Review status: criteria provided, single submitter. Criteria: Invitae Variant Classification Sherloc (09022015). Collection method: clinical testing. Allele origin: germline.
Comment: This sequence change replaces arginine, which is basic and polar, with tryptophan, which is neutral and slightly polar, at codon 1633 of the NIN protein (p.Arg1633Trp). This variant is present in population databases (rs202110335, gnomAD 0.02%). This variant has not been reported in the literature in individuals affected with NIN-related conditions. ClinVar contains an entry for this variant (Variation ID: 2075148). An algorithm developed to predict the effect of missense changes on protein structure and function outputs the following: PolyPhen-2: "Benign". The tryptophan amino acid residue is found in multiple mammalian species, which suggests that this missense change does not adversely affect protein function. In summary, the available evidence is currently insufficient to determine the role of this variant in disease. Therefore, it has been classified as a Variant of Uncertain Significance.